The following is an entry in ClinVar:

ClinVar aggregate classification (germline): Uncertain significance. Review status: criteria provided, multiple submitters, no conflicts (2 of 4 stars). 3 submissions from 3 submitters: Uncertain significance (3). Last evaluated 2025-04-14.

Conditions:
Hereditary cancer-predisposing syndrome. Also called: Neoplastic Syndromes, Hereditary; Tumor predisposition; Hereditary neoplastic syndrome; Hereditary Cancer Syndrome. Identifiers: Orphanet 140162, MedGen C0027672, MeSH D009386, MONDO:0015356.
Juvenile polyposis syndrome (JPS). Identifiers: Orphanet 2929, MedGen C0345893, MONDO:0017380, OMIM 174900.

Submissions (3):

Quest Diagnostics Nichols Institute San Juan Capistrano
Classification: Uncertain significance. Last evaluated: 2025-04-14. Review status: criteria provided, single submitter. Criteria: Quest Diagnostics criteria. Collection method: clinical testing. Allele origin: unknown.
Comment: The BMPR1A c.1380G>A (p.Met460Ile) variant has not been reported in individuals with BMPR1A-related conditions in the published literature. It also has not been reported in large, multi-ethnic general populations (Genome Aggregation Database). Analysis of this variant using bioinformatics tools for the prediction of the effect of amino acid changes on protein structure and function yielded conflicting predictions that this variant is deleterious or benign. Based on the available information, we are unable to determine the clinical significance of this variant.

Ambry Genetics
Classification: Uncertain significance for Hereditary cancer-predisposing syndrome. Last evaluated: 2024-09-22. Review status: criteria provided, single submitter. Criteria: Ambry Variant Classification Scheme 2023. Collection method: clinical testing. Allele origin: germline.
Comment: The p.M460I variant (also known as c.1380G>A), located in coding exon 10 of the BMPR1A gene, results from a G to A substitution at nucleotide position 1380. The methionine at codon 460 is replaced by isoleucine, an amino acid with highly similar properties. This amino acid position is conserved. In addition, the in silico prediction for this alteration is inconclusive. Based on the available evidence, the clinical significance of this variant remains unclear.

Labcorp Genetics (formerly Invitae), Labcorp
Classification: Uncertain significance for Juvenile polyposis syndrome. Last evaluated: 2023-08-28. Review status: criteria provided, single submitter. Criteria: Invitae Variant Classification Sherloc (09022015). Collection method: clinical testing. Allele origin: germline.
Comment: This variant is not present in population databases (gnomAD no frequency). This variant has not been reported in the literature in individuals affected with BMPR1A-related conditions. Advanced modeling of protein sequence and biophysical properties (such as structural, functional, and spatial information, amino acid conservation, physicochemical variation, residue mobility, and thermodynamic stability) has been performed at Invitae for this missense variant, however the output from this modeling did not meet the statistical confidence thresholds required to predict the impact of this variant on BMPR1A protein function. In summary, the available evidence is currently insufficient to determine the role of this variant in disease. Therefore, it has been classified as a Variant of Uncertain Significance. This sequence change replaces methionine, which is neutral and non-polar, with isoleucine, which is neutral and non-polar, at codon 460 of the BMPR1A protein (p.Met460Ile).

NM_004329.3(BMPR1A):c.1380G>A (p.Met460Ile)

Gene: BMPR1A (bone morphogenetic protein receptor type 1A; plus strand). Cytogenetic location: 10q23.2.
Variant type: single nucleotide variant.
Coding change: c.1380G>A on transcript NM_004329.3 (MANE Select); coding-DNA position 1380, G replaced by A.
Protein change: p.Met460Ile; replaces methionine 460 with isoleucine.
Molecular consequence: missense variant. On other transcripts: non-coding transcript variant (3).
Genome position (GRCh38, 1-based): chr10:86,923,413, G>A. VCF-style: chr10-86923413-G-A. GRCh37 (hg19) VCF-style: chr10-88683170-G-A.
Other names: c.1455G>A, p.Met485Ile (NM_001406559.1); c.1428G>A, p.Met476Ile (NM_001406560.1); c.1380G>A, p.Met460Ile (NM_001406561.1, NM_001406562.1, NM_001406563.1 and 19 more transcripts); c.1296G>A, p.Met432Ile (NM_001406584.1, NM_001406585.1, NM_001406586.1 and 2 more transcripts); c.1038G>A, p.Met346Ile (NM_001406589.1); c.1374G>A, p.Met458Ile (NM_001406583.1); short protein forms M346I, M432I, M485I, M458I, M460I, M476I.
Identifiers: ClinVar variation 2756051 (VCV002756051.5), dbSNP rs1206243685, ClinGen allele CA377462797.